The following is an entry in ClinVar:

ClinVar aggregate classification (germline): Uncertain significance (1 of 4 stars; one submission).

Submission:

GeneDx
Classification: Uncertain significance. Last evaluated: 2024-02-07. Review status: criteria provided, single submitter. Criteria: GeneDx Variant Classification Process June 2021. Collection method: clinical testing. Allele origin: germline. Affected: yes.
Comment: Not observed at significant frequency in large population cohorts (gnomAD); Has not been previously published as pathogenic or benign to our knowledge; In silico analysis suggests this variant may impact gene splicing. In the absence of RNA/functional studies, the actual effect of this sequence change is unknown

NM_197968.4(ZMYM2):c.3722G>T (p.Gly1241Val)

Gene: ZMYM2 (zinc finger MYM-type containing 2; plus strand). Cytogenetic location: 13q12.11.
Variant type: single nucleotide variant.
Coding change: c.3722G>T on transcript NM_197968.4 (MANE Select); coding-DNA position 3722, G replaced by T.
Protein change: p.Gly1241Val; replaces glycine 1241 with valine.
Molecular consequence: missense variant. On other transcripts: non-coding transcript variant (1).
Genome position (GRCh38, 1-based): chr13:20,082,934, G>T. VCF-style: chr13-20082934-G-T. GRCh37 (hg19) VCF-style: chr13-20657074-G-T.
Other names: c.3722G>T, p.Gly1241Val (NM_001190964.4, NM_001190965.4, NM_001353157.2 and 4 more transcripts); c.3527G>T, p.Gly1176Val (NM_001353161.3); c.3461G>T, p.Gly1154Val (NM_001353163.2); short protein forms G1154V, G1176V, G1241V.
Identifiers: ClinVar variation 3368987 (VCV003368987.1).